The following is an entry in ClinVar:

ClinVar aggregate classification (germline): Uncertain significance (1 of 4 stars; one submission).

Allele frequency attached by ClinVar (database versions not stated): gnomAD exomes below 0.00001; TOPMed 0.00001.
gnomAD v4.1: 1 of 1,611,684 alleles (0.000062%); highest among the groups gnomAD compares: African/African-American, 0.0013%; no homozygotes.

Submission:

Ambry Genetics
Classification: Uncertain significance. Last evaluated: 2022-09-28. Review status: criteria provided, single submitter. Criteria: Ambry Variant Classification Scheme 2023. Collection method: clinical testing. Allele origin: germline.
Comment: The p.K1034R variant (also known as c.3101A>G), located in coding exon 16 of the POLQ gene, results from an A to G substitution at nucleotide position 3101. The lysine at codon 1034 is replaced by arginine, an amino acid with highly similar properties. This amino acid position is conserved. In addition, this alteration is predicted to be tolerated by in silico analysis. Since supporting evidence is limited at this time, the clinical significance of this alteration remains unclear.

NM_199420.4(POLQ):c.3101A>G (p.Lys1034Arg)

Gene: POLQ (DNA polymerase theta; minus strand). Cytogenetic location: 3q13.33.
Variant type: single nucleotide variant.
Coding change: c.3101A>G on transcript NM_199420.4 (MANE Select); coding-DNA position 3101, A replaced by G.
Protein change: p.Lys1034Arg; replaces lysine 1034 with arginine.
Molecular consequence: missense variant.
Genome position (GRCh38, 1-based): chr3:121,489,830, T>C on the plus strand (A>G on the coding strand, the complement: POLQ is on the minus strand). VCF-style: chr3-121489830-T-C. GRCh37 (hg19) VCF-style: chr3-121208677-T-C.
Other names: short protein forms K1034R.
Identifiers: ClinVar variation 1727647 (VCV001727647.2), dbSNP rs2048050694, ClinGen allele CA354102996.